The following is an entry in ClinVar:

NM_001371623.1(TCOF1):c.3563del (p.Ala1188fs)

Gene: TCOF1 (treacle ribosome biogenesis factor 1; plus strand). Cytogenetic location: 5q32.
Variant type: Deletion.
Coding change: c.3563del on transcript NM_001371623.1 (MANE Select); coding-DNA position 3563, one base deleted (C; older notation c.3563delC).
Protein change: p.Ala1188fs; shifts the reading frame from alanine 1188.
Molecular consequence: frameshift variant.
Genome position (GRCh38, 1-based): chr5:150,392,750, C deleted. VCF-style (leftmost placement, unchanged base first): chr5-150392749-GC-G. GRCh37 (hg19) VCF-style: chr5-149772312-GC-G.
Other names: c.3329del, p.Ala1110fs (NM_000356.4, NM_001437406.1); c.3560del, p.Ala1187fs (NM_001135243.2); c.3449del, p.Ala1150fs (NM_001135244.2); c.3332del, p.Ala1111fs (NM_001135245.2); c.3446del, p.Ala1149fs (NM_001195141.2); short protein forms A1188fs, A1187fs, A1110fs, A1111fs, A1149fs, A1150fs.
Identifiers: ClinVar variation 4982406 (VCV004982406.1).

ClinVar aggregate classification (germline): Pathogenic (1 of 4 stars; one submission).

Conditions:
TCOF1-related disorder. Also called: TCOF1-related condition.

Submission:

PreventionGenetics, part of Exact Sciences
Classification: Pathogenic for TCOF1-related condition. Last evaluated: 2025-03-05. Review status: criteria provided, single submitter. Criteria: ACMG Guidelines, 2015. Collection method: clinical testing. Allele origin: germline.
Comment: The TCOF1 c.3560delC variant is predicted to result in a frameshift and premature protein termination (p.Ala1187Glufs*21). To our knowledge, this variant has not been reported in the literature or in a large population database (gnomAD), indicating this variant is rare. Frameshift variants in TCOF1 are expected to be pathogenic. This variant is interpreted as pathogenic.